The following is an entry in ClinVar:

NM_138691.3(TMC1):c.1113C>T (p.Phe371=)

Gene: TMC1 (transmembrane channel like 1; plus strand). Cytogenetic location: 9q21.13.
Variant type: single nucleotide variant.
Coding change: c.1113C>T on transcript NM_138691.3 (MANE Select); coding-DNA position 1113, C replaced by T.
Protein change: p.Phe371=; no amino-acid change (phenylalanine 371 retained).
Molecular consequence: synonymous variant.
Genome position (GRCh38, 1-based): chr9:72,789,206, C>T. VCF-style: chr9-72789206-C-T. GRCh37 (hg19) VCF-style: chr9-75404122-C-T.
Identifiers: ClinVar variation 5001925 (VCV005001925.1).

ClinVar aggregate classification (germline): Uncertain significance (1 of 4 stars; one submission).

Conditions:
TMC1-related disorder. Also called: TMC1-related disorders; TMC1-related condition.

gnomAD v4.1: 41 of 1,613,830 alleles (0.0025%); highest among the groups gnomAD compares: South Asian, 0.0066%; no homozygotes.

Submission:

PreventionGenetics, part of Exact Sciences
Classification: Uncertain significance for TMC1-related condition. Last evaluated: 2024-12-01. Review status: criteria provided, single submitter. Criteria: ACMG Guidelines, 2015. Collection method: clinical testing. Allele origin: germline.
Comment: The TMC1 c.1113C>T variant is not predicted to result in an amino acid change (p.=). This variant is predicted to create a cryptic splice donor site (SpliceAI, Jaganathan et al. 2019. PubMed ID: 30661751). To our knowledge, this variant has not been reported in the literature. This variant is reported in 0.0092% of alleles in individuals of European (Finnish) descent in gnomAD. At this time, the clinical significance of this variant is uncertain due to the absence of conclusive functional and genetic evidence.